The following is an entry in ClinVar:

ClinVar aggregate classification (germline): Likely benign. Review status: criteria provided, single submitter (1 of 4 stars). 2 submissions from 2 submitters: Likely benign (1). 1 of the submissions does not count toward it. Last evaluated 2023-03-23.

Conditions:
Hereditary cancer-predisposing syndrome. Also called: Tumor predisposition; Hereditary neoplastic syndrome; Hereditary Cancer Syndrome; Neoplastic Syndromes, Hereditary. Identifiers: Orphanet 140162, MedGen C0027672, MeSH D009386, MONDO:0015356.

Submissions (2):

University of Washington Department of Laboratory Medicine, University of Washington
Classification: Likely benign for Hereditary cancer-predisposing syndrome. Last evaluated: 2023-03-23. Review status: criteria provided, single submitter. Criteria: Dines et al. (Genet Med. 2020). Collection method: curation. Allele origin: germline.
Comment: Missense variant in a coldspot region where missense variants are very unlikely to be pathogenic (PMID:31911673).

BRCA1 coldspot (exon 11 using historical exon numbering). Reclassification based on statistical prior probability

Department of Pathology and Laboratory Medicine, Sinai Health System
Classification: Uncertain significance. Review status: no assertion criteria provided. Collection method: clinical testing. Allele origin: unknown. Affected: yes. Study: The Canadian Open Genetics Repository (COGR). Not counted in ClinVar's aggregate classification.
Comment: The BRCA1 p.Asp414Tyr variant was not identified in the literature nor was it identified in the dbSNP, ClinVar, LOVD 3.0, or UMD-LSDB databases. The variant was not identified in the following control databases: the Exome Aggregation Consortium (August 8th 2016) or the Genome Aggregation Database (Feb 27, 2017). The p.Asp414 residue is not conserved in mammals and other organisms, although 4 of 5 computational analyses (PolyPhen-2, SIFT, AlignGVGD, BLOSUM, MutationTaster) suggest that the Tyr variant may impact the protein. The variant occurs outside of the splicing consensus sequence but 2 of 4 in silico or computational prediction software programs (SpliceSiteFinder, MaxEntScan, NNSPLICE, GeneSplicer) predict the creation of a cryptic splice site; this is not very predictive of pathogenicity. In summary, based on the above information, the clinical significance of this variant cannot be determined with certainty at this time. This variant is classified as a variant of uncertain significance.

NM_007294.4(BRCA1):c.1240G>T (p.Asp414Tyr)

Gene: BRCA1 (BRCA1 DNA repair associated; minus strand). Cytogenetic location: 17q21.31.
Variant type: single nucleotide variant.
Coding change: c.1240G>T on transcript NM_007294.4 (MANE Select); coding-DNA position 1240, G replaced by T.
Protein change: p.Asp414Tyr; replaces aspartic acid 414 with tyrosine.
Molecular consequence: missense variant. On other transcripts: intron variant (137).
Genome position (GRCh38, 1-based): chr17:43,094,291, C>A on the plus strand (G>T on the coding strand, the complement: BRCA1 is on the minus strand). VCF-style: chr17-43094291-C-A. GRCh37 (hg19) VCF-style: chr17-41246308-C-A.
Other names: c.1096G>T, p.Asp366Tyr (NM_001407745.1, NM_001407746.1, NM_001407747.1 and 20 more transcripts); c.1099G>T, p.Asp367Tyr (NM_001407752.1, NM_001407750.1, NM_001407751.1 and 29 more transcripts); c.1027G>T, p.Asp343Tyr (NM_001407571.1, NM_001407853.1, NM_001407894.1 and 9 more transcripts); c.1240G>T, p.Asp414Tyr (NM_001407581.1, NM_001407582.1, NM_001407583.1 and 30 more transcripts); c.1237G>T, p.Asp413Tyr (NM_001407587.1, NM_001407590.1, NM_001407591.1 and 22 more transcripts); c.1231G>T, p.Asp411Tyr (NM_001407646.1, NM_001407647.1); c.1117G>T, p.Asp373Tyr (NM_001407648.1, NM_001407664.1, NM_001407665.1 and 19 more transcripts); c.1114G>T, p.Asp372Tyr (NM_001407649.1, NM_001407670.1, NM_001407671.1 and 11 more transcripts); and 40 more; short protein forms D367Y, D414Y, D118Y, D372Y, D413Y, D303Y, D344Y, D387Y.
Identifiers: ClinVar variation 1050740 (VCV001050740.4), dbSNP rs2154464961, ClinGen allele CA10599572.